The following is an entry in ClinVar:

NM_025114.4(CEP290):c.4945C>T (p.Gln1649Ter)

Gene: CEP290 (centrosomal protein 290; minus strand). Cytogenetic location: 12q21.32.
Variant type: single nucleotide variant.
Coding change: c.4945C>T on transcript NM_025114.4 (MANE Select); coding-DNA position 4945, C replaced by T.
Protein change: p.Gln1649Ter; replaces glutamine 1649 with a stop codon.
Molecular consequence: nonsense.
Genome position (GRCh38, 1-based): chr12:88,083,098, G>A on the plus strand (C>T on the coding strand, the complement: CEP290 is on the minus strand). VCF-style: chr12-88083098-G-A. GRCh37 (hg19) VCF-style: chr12-88476875-G-A.
Other names: short protein forms Q1649*.
Identifiers: ClinVar variation 1459869 (VCV001459869.6), dbSNP rs2137152484, ClinGen allele CA385992801.

ClinVar aggregate classification (germline): Pathogenic (1 of 4 stars; one submission).

Conditions:
Nephronophthisis. Also called: Juvenile Nephronophthisis. Identifiers: Orphanet 655, MedGen C0687120, MONDO:0019005, HP:0000090.
Meckel-Gruber syndrome. Also called: DYSENCEPHALIA SPLANCHNOCYSTICA; GRUBER SYNDROME; Dysencephalia splachnocystica. Identifiers: Orphanet 564, MedGen C0265215, MONDO:0018921.
Joubert syndrome. Also called: CEREBELLOPARENCHYMAL DISORDER IV; JOUBERT-BOLTSHAUSER SYNDROME; Familial aplasia of the vermis. Identifiers: Orphanet 475, MedGen C5979921, MONDO:0018772.

Submission:

Labcorp Genetics (formerly Invitae), Labcorp
Classification: Pathogenic for Joubert syndrome; Meckel-Gruber syndrome; Nephronophthisis. Last evaluated: 2023-05-15. Review status: criteria provided, single submitter. Criteria: Invitae Variant Classification Sherloc (09022015). Collection method: clinical testing. Allele origin: germline.
Comment: This variant is not present in population databases (gnomAD no frequency). This sequence change creates a premature translational stop signal (p.Gln1649*) in the CEP290 gene. It is expected to result in an absent or disrupted protein product. Loss-of-function variants in CEP290 are known to be pathogenic (PMID: 16909394, 17345604, 20690115). This variant has not been reported in the literature in individuals affected with CEP290-related conditions. For these reasons, this variant has been classified as Pathogenic. ClinVar contains an entry for this variant (Variation ID: 1459869).

Literature cited by the submitters: PubMed 16909394; PubMed 17345604; PubMed 20690115.